The following is an entry in ClinVar:

ClinVar aggregate classification (germline): Uncertain significance. Review status: criteria provided, multiple submitters, no conflicts (2 of 4 stars). 2 submissions from 2 submitters: Uncertain significance (2). Last evaluated 2025-06-04.

Conditions:
Inborn genetic diseases. Identifiers: MedGen C0950123, MeSH D030342.

Allele frequency attached by ClinVar (database versions not stated): gnomAD exomes below 0.00001; gnomAD 0.00001; TOPMed 0.00001; ESP Exome Variant Server 0.00008; ExAC 0.00001.
gnomAD v4.1: 4 of 1,614,064 alleles (0.00025%); highest among the groups gnomAD compares: Non-Finnish European, 0.00034%; no homozygotes.

Submissions (2):

Mayo Clinic Laboratories, Mayo Clinic
Classification: Uncertain significance. Last evaluated: 2025-06-04. Review status: criteria provided, single submitter. Criteria: ACMG Guidelines, 2015. Collection method: clinical testing. Allele origin: germline. Observed: 1 variant allele.
Comment: BP4_moderate, PM2_supporting

Ambry Genetics
Classification: Uncertain significance for Inborn genetic diseases. Last evaluated: 2023-05-22. Review status: criteria provided, single submitter. Criteria: Ambry Variant Classification Scheme 2023. Collection method: clinical testing. Allele origin: germline.

NM_003824.4(FADD):c.478C>T (p.His160Tyr)

Gene: FADD (Fas associated via death domain; plus strand). Cytogenetic location: 11q13.3.
Variant type: single nucleotide variant.
Coding change: c.478C>T on transcript NM_003824.4 (MANE Select); coding-DNA position 478, C replaced by T.
Protein change: p.His160Tyr; replaces histidine 160 with tyrosine.
Molecular consequence: missense variant.
Genome position (GRCh38, 1-based): chr11:70,206,324, C>T. VCF-style: chr11-70206324-C-T. GRCh37 (hg19) VCF-style: chr11-70052430-C-T.
Other names: p.His160Tyr; short protein forms H160Y.
Identifiers: ClinVar variation 2519941 (VCV002519941.3), dbSNP rs376340895, ClinGen allele CA6158493.